The following is an entry in ClinVar:

ClinVar aggregate classification (germline): Uncertain significance. Review status: criteria provided, multiple submitters, no conflicts (2 of 4 stars). 2 submissions from 2 submitters: Uncertain significance (2). Last evaluated 2024-05-06.

Allele frequency attached by ClinVar (database versions not stated): ExAC 0.00002; gnomAD 0.00003; TOPMed 0.00003; gnomAD exomes 0.00004.
gnomAD v4.1: 55 of 1,608,146 alleles (0.0034%); highest among the groups gnomAD compares: Non-Finnish European, 0.0041%; no homozygotes.

Submissions (2):

Labcorp Genetics (formerly Invitae), Labcorp
Classification: Uncertain significance. Last evaluated: 2024-05-06. Review status: criteria provided, single submitter. Criteria: Invitae Variant Classification Sherloc (09022015). Collection method: clinical testing. Allele origin: germline.
Comment: This sequence change replaces glutamic acid, which is acidic and polar, with lysine, which is basic and polar, at codon 901 of the TRPC3 protein (p.Glu901Lys). This variant is present in population databases (rs200028855, gnomAD 0.003%). This variant has not been reported in the literature in individuals affected with TRPC3-related conditions. ClinVar contains an entry for this variant (Variation ID: 2462609). Advanced modeling of protein sequence and biophysical properties (such as structural, functional, and spatial information, amino acid conservation, physicochemical variation, residue mobility, and thermodynamic stability) performed at Invitae indicates that this missense variant is not expected to disrupt TRPC3 protein function with a negative predictive value of 80%. In summary, the available evidence is currently insufficient to determine the role of this variant in disease. Therefore, it has been classified as a Variant of Uncertain Significance.

Ambry Genetics
Classification: Uncertain significance. Last evaluated: 2023-01-24. Review status: criteria provided, single submitter. Criteria: Ambry Variant Classification Scheme 2023. Collection method: clinical testing. Allele origin: germline.

NM_001130698.2(TRPC3):c.2701G>A (p.Glu901Lys)

Gene: TRPC3 (transient receptor potential cation channel subfamily C member 3; minus strand). Cytogenetic location: 4q27.
Variant type: single nucleotide variant.
Coding change: c.2701G>A on transcript NM_001130698.2 (MANE Select); coding-DNA position 2701, G replaced by A.
Protein change: p.Glu901Lys; replaces glutamic acid 901 with lysine.
Molecular consequence: missense variant.
Genome position (GRCh38, 1-based): chr4:121,879,801, C>T on the plus strand (G>A on the coding strand, the complement: TRPC3 is on the minus strand). VCF-style: chr4-121879801-C-T. GRCh37 (hg19) VCF-style: chr4-122800956-C-T.
Other names: c.2617G>A, p.Glu873Lys (NM_001366479.2); c.2482G>A, p.Glu828Lys (NM_003305.2); short protein forms E901K, E828K, E873K.
Identifiers: ClinVar variation 2462609 (VCV002462609.4), dbSNP rs200028855, ClinGen allele CA3064670.